The following is an entry in ClinVar:

ClinVar aggregate classification (germline): Uncertain significance. Review status: criteria provided, multiple submitters, no conflicts (2 of 4 stars). 2 submissions from 2 submitters: Uncertain significance (2). Last evaluated 2024-05-21.

Conditions:
Hypertrophic cardiomyopathy. Also called: HYPERTROPHIC MYOCARDIOPATHY. Identifiers: Orphanet 217569, MedGen C0007194, MeSH D002312, MONDO:0005045, HP:0001639.

Allele frequency attached by ClinVar (database versions not stated): gnomAD exomes below 0.00001; ExAC 0.00001.
gnomAD v4.1: 2 of 1,612,798 alleles (0.00012%); highest among the groups gnomAD compares: African/African-American, 0.0013%; no homozygotes.

Submissions (2):

Ambry Genetics
Classification: Uncertain significance. Last evaluated: 2024-05-21. Review status: criteria provided, single submitter. Criteria: Ambry Variant Classification Scheme 2023. Collection method: clinical testing. Allele origin: germline.

Labcorp Genetics (formerly Invitae), Labcorp
Classification: Uncertain significance for Hypertrophic cardiomyopathy. Last evaluated: 2023-09-10. Review status: criteria provided, single submitter. Criteria: Invitae Variant Classification Sherloc (09022015). Collection method: clinical testing. Allele origin: germline.
Comment: In summary, the available evidence is currently insufficient to determine the role of this variant in disease. Therefore, it has been classified as a Variant of Uncertain Significance. Advanced modeling of protein sequence and biophysical properties (such as structural, functional, and spatial information, amino acid conservation, physicochemical variation, residue mobility, and thermodynamic stability) performed at Invitae indicates that this missense variant is not expected to disrupt MYOM1 protein function. This variant has not been reported in the literature in individuals affected with MYOM1-related conditions. This variant is not present in population databases (gnomAD no frequency). This sequence change replaces leucine, which is neutral and non-polar, with phenylalanine, which is neutral and non-polar, at codon 613 of the MYOM1 protein (p.Leu613Phe).

NM_003803.4(MYOM1):c.1837C>T (p.Leu613Phe)

Gene: MYOM1 (myomesin 1; minus strand). Cytogenetic location: 18p11.31.
Variant type: single nucleotide variant.
Coding change: c.1837C>T on transcript NM_003803.4 (MANE Select); coding-DNA position 1837, C replaced by T.
Protein change: p.Leu613Phe; replaces leucine 613 with phenylalanine.
Molecular consequence: missense variant.
Genome position (GRCh38, 1-based): chr18:3,151,700, G>A on the plus strand (C>T on the coding strand, the complement: MYOM1 is on the minus strand). VCF-style: chr18-3151700-G-A. GRCh37 (hg19) VCF-style: chr18-3151698-G-A.
Other names: c.1837C>T, p.Leu613Phe (NM_019856.2); short protein forms L613F.
Identifiers: ClinVar variation 2759529 (VCV002759529.4), dbSNP rs772632197, ClinGen allele CA8874845.
Genomic context (GRCh38, chr18:3,151,700, plus strand): 5'-TGCAGTCATTTTAAAAAGGTTTAGGGAAGGTCCTGAAAAATGAAAAGTGCTTACTTTTAA[G>A]TCTAGCTTTCTCAGCCGGATCCAGAGCAGCCACGGGCTCGGAAACTCGAGATGGGAAACC-3'
Protein context (NP_003794.3, residues 603-623): AALDPAEKAR[Leu613Phe]KSRPSAPWTG